The following is an entry in ClinVar:

NM_001199397.3(NEK1):c.1140+2T>C

Gene: NEK1 (NIMA related kinase 1; minus strand). Cytogenetic location: 4q33.
Variant type: single nucleotide variant.
Coding change: c.1140+2T>C on transcript NM_001199397.3 (MANE Select); the canonical splice donor site of the intron after coding-DNA position 1140, T replaced by C.
Molecular consequence: splice donor variant.
Genome position (GRCh38, 1-based): chr4:169,561,830, A>G on the plus strand (T>C on the coding strand, the complement: NEK1 is on the minus strand). VCF-style: chr4-169561830-A-G. GRCh37 (hg19) VCF-style: chr4-170482981-A-G.
Other names: c.1140+2T>C (NM_001374421.1, NM_001374420.1, NM_001199399.3 and 7 more transcripts).
Identifiers: ClinVar variation 3662112 (VCV003662112.2).

ClinVar aggregate classification (germline): Likely pathogenic (1 of 4 stars; one submission).

Conditions:
Short-rib thoracic dysplasia 6 with or without polydactyly (SRTD6). Also called: POLYDACTYLY WITH NEONATAL CHONDRODYSTROPHY, TYPE II; SHORT RIB-POLYDACTYLY SYNDROME, TYPE IIA; SHORT-RIB THORACIC DYSPLASIA 6 WITH POLYDACTYLY; SHORT-RIB THORACIC DYSPLASIA 6 WITHOUT POLYDACTYLY; Majewski Syndrome. Identifiers: MedGen C0024507, MONDO:0009894, OMIM 263520.

Submission:

Labcorp Genetics (formerly Invitae), Labcorp
Classification: Likely pathogenic for Short-rib thoracic dysplasia 6 with or without polydactyly. Last evaluated: 2025-10-02. Review status: criteria provided, single submitter. Criteria: Invitae Variant Classification Sherloc (09022015). Collection method: clinical testing. Allele origin: germline.
Comment: This sequence change affects a donor splice site in intron 13 of the NEK1 gene. It is expected to disrupt RNA splicing. Variants that disrupt the donor or acceptor splice site typically lead to a loss of protein function (PMID: 16199547), and loss-of-function variants in NEK1 are known to be pathogenic (PMID: 22499340, 29068549). This variant is not present in population databases (gnomAD no frequency). This variant has not been reported in the literature in individuals affected with NEK1-related conditions. ClinVar contains an entry for this variant (Variation ID: 3662112). Algorithms developed to predict the effect of sequence changes on RNA splicing suggest that this variant may disrupt the consensus splice site. In summary, the currently available evidence indicates that the variant is pathogenic, but additional data are needed to prove that conclusively. Therefore, this variant has been classified as Likely Pathogenic.

Literature cited by the submitters: PubMed 16199547; PubMed 22499340; PubMed 29068549.